The following is an entry in ClinVar:

ClinVar aggregate classification (germline): Uncertain significance (1 of 4 stars; one submission).

Conditions:
Long QT syndrome (LQTS). Identifiers: MedGen C0023976, MeSH D008133, MONDO:0002442. Disease mechanism: loss of function. Inheritance: Various modes of inheritance.

Allele frequency attached by ClinVar (database versions not stated): gnomAD 0.00001.
gnomAD v4.1: 2 of 1,422,270 alleles (0.00014%); highest among the groups gnomAD compares: South Asian, 0.0029%; no homozygotes.

Submission:

Labcorp Genetics (formerly Invitae), Labcorp
Classification: Uncertain significance for Long QT syndrome. Last evaluated: 2023-11-18. Review status: criteria provided, single submitter. Criteria: Invitae Variant Classification Sherloc (09022015). Collection method: clinical testing. Allele origin: germline.
Comment: This sequence change replaces proline, which is neutral and non-polar, with alanine, which is neutral and non-polar, at codon 240 of the KCNH2 protein (p.Pro240Ala). This variant is not present in population databases (gnomAD no frequency). This variant has not been reported in the literature in individuals affected with KCNH2-related conditions. An algorithm developed to predict the effect of missense changes on protein structure and function (PolyPhen-2) suggests that this variant is likely to be tolerated. In summary, the available evidence is currently insufficient to determine the role of this variant in disease. Therefore, it has been classified as a Variant of Uncertain Significance.

NM_000238.4(KCNH2):c.718C>G (p.Pro240Ala)

Gene: KCNH2 (potassium voltage-gated channel subfamily H member 2; minus strand). Cytogenetic location: 7q36.1.
Variant type: single nucleotide variant.
Coding change: c.718C>G on transcript NM_000238.4 (MANE Select); coding-DNA position 718, C replaced by G.
Protein change: p.Pro240Ala; replaces proline 240 with alanine.
Molecular consequence: missense variant. On other transcripts: non-coding transcript variant (1).
Genome position (GRCh38, 1-based): chr7:150,958,257, G>C on the plus strand (C>G on the coding strand, the complement: KCNH2 is on the minus strand). VCF-style: chr7-150958257-G-C. GRCh37 (hg19) VCF-style: chr7-150655345-G-C.
Other names: c.430C>G, p.Pro144Ala (NM_001406753.1, NM_001406756.1); c.541C>G, p.Pro181Ala (NM_001406755.1); c.418C>G, p.Pro140Ala (NM_001406757.1); c.718C>G, p.Pro240Ala (NM_172056.3); short protein forms P240A, P140A, P144A, P181A.
Identifiers: ClinVar variation 2862688 (VCV002862688.3), dbSNP rs1801448644, ClinGen allele CA369862723.